The following is an entry in ClinVar:

ClinVar aggregate classification (germline): Uncertain significance (1 of 4 stars; one submission).

Conditions:
Emery-Dreifuss muscular dystrophy 5, autosomal dominant (EDMD5). Also called: EMERY-DREIFUSS MUSCULAR DYSTROPHY 5. Identifiers: Orphanet 261, MedGen C2751805, MONDO:0013072, OMIM 612999.

Allele frequency attached by ClinVar (database versions not stated): gnomAD exomes below 0.00001 and 0.00001; ExAC 0.00001.
gnomAD v4.1: 5 of 1,614,136 alleles (0.00031%); highest among the groups gnomAD compares: Middle Eastern, 0.016%; no homozygotes.

Submission:

Labcorp Genetics (formerly Invitae), Labcorp
Classification: Uncertain significance for Emery-Dreifuss muscular dystrophy 5, autosomal dominant. Last evaluated: 2021-04-23. Review status: criteria provided, single submitter. Criteria: Invitae Variant Classification Sherloc (09022015). Collection method: clinical testing. Allele origin: germline.
Comment: In summary, the available evidence is currently insufficient to determine the role of this variant in disease. Therefore, it has been classified as a Variant of Uncertain Significance. Algorithms developed to predict the effect of missense changes on protein structure and function output the following: SIFT: "Tolerated"; PolyPhen-2: "Benign"; Align-GVGD: "Class C0". The serine amino acid residue is found in multiple mammalian species, suggesting that this missense change does not adversely affect protein function. These predictions have not been confirmed by published functional studies and their clinical significance is uncertain. This variant has not been reported in the literature in individuals with SYNE2-related conditions. This variant is present in population databases (rs773172045, ExAC 0.001%). This sequence change replaces alanine with serine at codon 751 of the SYNE2 protein (p.Ala751Ser). The alanine residue is weakly conserved and there is a moderate physicochemical difference between alanine and serine.

NM_182914.3(SYNE2):c.2251G>T (p.Ala751Ser)

Gene: SYNE2 (spectrin repeat containing nuclear envelope protein 2; plus strand). Cytogenetic location: 14q23.2.
Variant type: single nucleotide variant.
Coding change: c.2251G>T on transcript NM_182914.3 (MANE Select); coding-DNA position 2251, G replaced by T.
Protein change: p.Ala751Ser; replaces alanine 751 with serine.
Molecular consequence: missense variant.
Genome position (GRCh38, 1-based): chr14:63,986,555, G>T. VCF-style: chr14-63986555-G-T. GRCh37 (hg19) VCF-style: chr14-64453273-G-T.
Other names: c.2251G>T, p.Ala751Ser (NM_015180.6); short protein forms A751S.
Identifiers: ClinVar variation 1516415 (VCV001516415.8), dbSNP rs773172045, ClinGen allele CA7219641.
Genomic context (GRCh38, chr14:63,986,555, plus strand): 5'-GGGCAACTAAAAGTGGCTAAAGATGTTGAAAAACTCATTGGACAAGTGGAAATCTGGGAG[G>T]CAGAAGCCAAATCTGTTTTGGATCAAGATGATGTGGACACCTCAATGGAAGAATCTTTGA-3'
Protein context (NP_878918.2, residues 741-761): KLIGQVEIWE[Ala751Ser]EAKSVLDQDD